The following is an entry in ClinVar:

ClinVar aggregate classification (germline): Uncertain significance (1 of 4 stars; one submission).

Conditions:
Multiple endocrine neoplasia, type 2 (MEN2). Identifiers: Orphanet 653, MedGen C4048306, MONDO:0019003. Disease mechanism: gain of function.

gnomAD v4.1: 1 of 1,613,830 alleles (0.000062%); no homozygotes.

Submission:

Labcorp Genetics (formerly Invitae), Labcorp
Classification: Uncertain significance for Multiple endocrine neoplasia, type 2. Last evaluated: 2023-11-24. Review status: criteria provided, single submitter. Criteria: Invitae Variant Classification Sherloc (09022015). Collection method: clinical testing. Allele origin: germline.
Comment: This sequence change replaces tyrosine, which is neutral and polar, with serine, which is neutral and polar, at codon 1062 of the RET protein (p.Tyr1062Ser). This variant is not present in population databases (gnomAD no frequency). This variant has not been reported in the literature in individuals affected with RET-related conditions. An algorithm developed to predict the effect of missense changes on protein structure and function (PolyPhen-2) suggests that this variant is likely to be tolerated. In summary, the available evidence is currently insufficient to determine the role of this variant in disease. Therefore, it has been classified as a Variant of Uncertain Significance.

NM_020975.6(RET):c.3185A>C (p.Tyr1062Ser)

Gene: RET (ret proto-oncogene; plus strand). Cytogenetic location: 10q11.21.
Variant type: single nucleotide variant.
Coding change: c.3185A>C on transcript NM_020975.6 (MANE Select); coding-DNA position 3185, A replaced by C.
Protein change: p.Tyr1062Ser; replaces tyrosine 1062 with serine.
Molecular consequence: missense variant. On other transcripts: intron variant (4).
Genome position (GRCh38, 1-based): chr10:43,126,720, A>C. VCF-style: chr10-43126720-A-C. GRCh37 (hg19) VCF-style: chr10-43622168-A-C.
Other names: c.3185A>C, p.Tyr1062Ser (NM_000323.2, NM_001406743.1, NM_001406744.1 and 2 more transcripts); c.2423A>C, p.Tyr808Ser (NM_001355216.2); c.3056A>C, p.Tyr1019Ser (NM_001406761.1, NM_001406762.1, NM_001406764.1); c.2747A>C, p.Tyr916Ser (NM_001406771.1, NM_001406773.1); c.2789A>C, p.Tyr930Ser (NM_001406772.1, NM_001406769.1); c.2660A>C, p.Tyr887Ser (NM_001406774.1); c.2459A>C, p.Tyr820Ser (NM_001406775.1, NM_001406776.1, NM_001406778.1); c.2288A>C, p.Tyr763Ser (NM_001406779.1, NM_001406780.1, NM_001406781.1 and 1 more transcripts); and 13 more; short protein forms Y1062S, Y667S, Y720S, Y887S, Y966S, Y1017S, Y1019S, Y723S.
Identifiers: ClinVar variation 3014858 (VCV003014858.3), dbSNP rs587778659, ClinGen allele CA376558556.